The following is an entry in ClinVar:

NM_002470.4(MYH3):c.5423G>A (p.Gly1808Asp)

Gene: MYH3 (myosin heavy chain 3; minus strand). Cytogenetic location: 17p13.1.
Variant type: single nucleotide variant.
Coding change: c.5423G>A on transcript NM_002470.4 (MANE Select); coding-DNA position 5423, G replaced by A.
Protein change: p.Gly1808Asp; replaces glycine 1808 with aspartic acid.
Molecular consequence: missense variant.
Genome position (GRCh38, 1-based): chr17:10,630,322, C>T on the plus strand (G>A on the coding strand, the complement: MYH3 is on the minus strand). VCF-style: chr17-10630322-C-T. GRCh37 (hg19) VCF-style: chr17-10533639-C-T.
Other names: short protein forms G1808D.
Identifiers: ClinVar variation 4781249 (VCV004781249.1).

ClinVar aggregate classification (germline): Uncertain significance (1 of 4 stars; one submission).

Submission:

Labcorp Genetics (formerly Invitae), Labcorp
Classification: Uncertain significance. Last evaluated: 2025-03-20. Review status: criteria provided, single submitter. Criteria: Invitae Variant Classification Sherloc (09022015). Collection method: clinical testing. Allele origin: germline.
Comment: This sequence change replaces glycine, which is neutral and non-polar, with aspartic acid, which is acidic and polar, at codon 1808 of the MYH3 protein (p.Gly1808Asp). This variant is not present in population databases (gnomAD no frequency). This variant has not been reported in the literature in individuals affected with MYH3-related conditions. Invitae Evidence Modeling of protein sequence and biophysical properties (such as structural, functional, and spatial information, amino acid conservation, physicochemical variation, residue mobility, and thermodynamic stability) indicates that this missense variant is not expected to disrupt MYH3 protein function with a negative predictive value of 95%. In summary, the available evidence is currently insufficient to determine the role of this variant in disease. Therefore, it has been classified as a Variant of Uncertain Significance.